The following is an entry in ClinVar:

ClinVar aggregate classification (germline): Pathogenic. Review status: reviewed by expert panel (3 of 4 stars). 6 submissions from 6 submitters: Pathogenic (1). 5 of the submissions do not count toward it. Last evaluated 2017-12-15.

Conditions:
Hereditary breast ovarian cancer syndrome. Also called: Hereditary breast and ovarian cancer syndrome; Hereditary breast and ovarian cancer; Hereditary breast and ovarian cancer syndrome (HBOC); Breast and ovarian cancer; Hereditary breast and/or ovarian cancer syndrome; BRCA1- and BRCA2-Associated Hereditary Breast and Ovarian Cancer. Identifiers: Orphanet 145, MedGen C0677776, MeSH D061325, MONDO:0003582. Disease mechanism: loss of function.
Hereditary cancer-predisposing syndrome. Also called: Neoplastic Syndromes, Hereditary; Tumor predisposition; Hereditary Cancer Syndrome; Hereditary neoplastic syndrome. Identifiers: Orphanet 140162, MedGen C0027672, MeSH D009386, MONDO:0015356.
Breast-ovarian cancer, familial, susceptibility to, 2 (BROVCA2). Also called: BRCA2 Hereditary Breast and Ovarian Cancer. Identifiers: Orphanet 145, MedGen C2675520, MONDO:0012933, OMIM 612555. Disease mechanism: loss of function.

Submissions (6):

Evidence-based Network for the Interpretation of Germline Mutant Alleles (ENIGMA)
Classification: Pathogenic for Breast-ovarian cancer, familial, susceptibility to, 2. Last evaluated: 2017-12-15. Review status: reviewed by expert panel. Criteria: ENIGMA BRCA1/2 Classification Criteria (2017-06-29). Collection method: curation. Allele origin: germline. Study: ENIGMA.
Comment: Variant allele predicted to encode a truncated non-functional protein.

Labcorp Genetics (formerly Invitae), Labcorp
Classification: Pathogenic for Hereditary breast ovarian cancer syndrome. Last evaluated: 2025-03-01. Review status: criteria provided, single submitter. Criteria: Invitae Variant Classification Sherloc (09022015). Collection method: clinical testing. Allele origin: germline. Not counted in ClinVar's aggregate classification.
Comment: This sequence change creates a premature translational stop signal (p.Asn812Lysfs*15) in the BRCA2 gene. It is expected to result in an absent or disrupted protein product. Loss-of-function variants in BRCA2 are known to be pathogenic (PMID: 20104584). This variant is not present in population databases (gnomAD no frequency). This premature translational stop signal has been observed in individual(s) with breast cancer (PMID: 12442275). This variant is also known as 2663-2664insA. ClinVar contains an entry for this variant (Variation ID: 51284). For these reasons, this variant has been classified as Pathogenic.

Quest Diagnostics Nichols Institute San Juan Capistrano
Classification: Pathogenic. Last evaluated: 2023-04-07. Review status: criteria provided, single submitter. Criteria: Quest Diagnostics criteria. Collection method: clinical testing. Allele origin: unknown. Not counted in ClinVar's aggregate classification.
Comment: This frameshift variant alters the translational reading frame of the BRCA2 mRNA and causes the premature termination of BRCA2 protein synthesis. This variant has not been reported in large, multi-ethnic general populations. In the published literature, the variant has been reported in an affected individual with breast cancer (PMID: 12442275 (2002)). Based on the available information, this variant is classified as pathogenic.

Ambry Genetics
Classification: Pathogenic for Hereditary cancer-predisposing syndrome. Last evaluated: 2023-02-02. Review status: criteria provided, single submitter. Criteria: Ambry Variant Classification Scheme 2023. Collection method: clinical testing. Allele origin: germline. Not counted in ClinVar's aggregate classification.
Comment: The c.2435dupA pathogenic mutation, located in coding exon 10 of the BRCA2 gene, results from a duplication of A at nucleotide position 2435, causing a translational frameshift with a predicted alternate stop codon (p.N812Kfs*15). This variant is considered to be rare based on population cohorts in the Genome Aggregation Database (gnomAD). In addition to the clinical data presented in the literature, this alteration is expected to result in loss of function by premature protein truncation or nonsense-mediated mRNA decay. As such, this alteration is interpreted as a disease-causing mutation.

Color Diagnostics, LLC DBA Color Health
Classification: Pathogenic for Hereditary cancer-predisposing syndrome. Last evaluated: 2020-01-15. Review status: criteria provided, single submitter. Criteria: ACMG Guidelines, 2015. Collection method: clinical testing. Allele origin: germline. Not counted in ClinVar's aggregate classification.
Comment: This variant inserts 1 nucleotide in exon 11 of the BRCA2 gene, creating a frameshift and premature translation stop signal. This variant is expected to result in an absent or non-functional protein product. This variant has not been identified in the general population by the Genome Aggregation Database (gnomAD). Loss of BRCA2 function is a known mechanism of disease. Based on the available evidence, this variant is classified as Pathogenic.

Counsyl
Classification: Pathogenic for Breast-ovarian cancer, familial, susceptibility to, 2. Last evaluated: 2016-11-01. Review status: no assertion criteria provided. Collection method: clinical testing. Allele origin: unknown. Not counted in ClinVar's aggregate classification.

Literature cited by the submitters: PubMed 20104584 (cited by Labcorp Genetics (formerly Invitae), Labcorp); PubMed 12442275 (cited by 4 submitters).

NM_000059.4(BRCA2):c.2435dup (p.Asn812fs)

Gene: BRCA2 (BRCA2 DNA repair associated; plus strand). Cytogenetic location: 13q13.1.
Variant type: Duplication.
Coding change: c.2435dup on transcript NM_000059.4 (MANE Select); coding-DNA position 2435, one base duplicated (A; older notation c.2435dupA).
Protein change: p.Asn812fs; shifts the reading frame from asparagine 812.
Molecular consequence: frameshift variant.
Genome position (GRCh38, 1-based): chr13:32,336,790, A duplicated; the last of 5 consecutive A bases (chr13:32,336,786-32,336,790); duplicating any one gives the same sequence. VCF-style (leftmost placement, unchanged base first): chr13-32336785-C-CA. GRCh37 (hg19) VCF-style: chr13-32910922-C-CA.
Other names: c.2435dupA (NM_000059.3); short protein forms N812fs.
Identifiers: ClinVar variation 51284 (VCV000051284.20), dbSNP rs80359329, ClinGen allele CA015248.